The following is an entry in ClinVar:

ClinVar aggregate classification (germline): Conflicting classifications of pathogenicity. Review status: criteria provided, conflicting classifications (1 of 4 stars). 2 submissions from 2 submitters: Uncertain significance (1); Likely benign (1). Last evaluated 2026-01-27.

Conditions:
Hereditary cancer-predisposing syndrome. Also called: Tumor predisposition; Hereditary Cancer Syndrome; Neoplastic Syndromes, Hereditary; Hereditary neoplastic syndrome. Identifiers: Orphanet 140162, MedGen C0027672, MeSH D009386, MONDO:0015356.
Gorlin syndrome. Also called: Basal cell nevus syndrome; Nevoid Basal Cell Carcinoma Syndrome. Identifiers: Orphanet 377, MedGen C0004779, MONDO:0007187.

Allele frequency attached by ClinVar (database versions not stated): gnomAD exomes below 0.00001.
gnomAD v4.1: 3 of 1,613,890 alleles (0.00019%); highest among the groups gnomAD compares: Non-Finnish European, 0.00017%; no homozygotes.

Submissions (2):

Labcorp Genetics (formerly Invitae), Labcorp
Classification: Likely benign for Gorlin syndrome. Last evaluated: 2026-01-27. Review status: criteria provided, single submitter. Criteria: Invitae Variant Classification Sherloc (09022015). Collection method: clinical testing. Allele origin: germline.

Ambry Genetics
Classification: Uncertain significance for Hereditary cancer-predisposing syndrome. Last evaluated: 2025-07-12. Review status: criteria provided, single submitter. Criteria: Ambry Variant Classification Scheme 2023. Collection method: clinical testing. Allele origin: germline.
Comment: The p.E970K variant (also known as c.2908G>A), located in coding exon 18 of the PTCH1 gene, results from a G to A substitution at nucleotide position 2908. The glutamic acid at codon 970 is replaced by lysine, an amino acid with similar properties. This amino acid position is highly conserved in available vertebrate species. In addition, this alteration is predicted to be deleterious by in silico analysis. Since supporting evidence is limited at this time, the clinical significance of this alteration remains unclear.

NM_000264.5(PTCH1):c.2908G>A (p.Glu970Lys)

Gene: PTCH1 (patched 1; minus strand). Cytogenetic location: 9q22.32.
Variant type: single nucleotide variant.
Coding change: c.2908G>A on transcript NM_000264.5 (MANE Select); coding-DNA position 2908, G replaced by A.
Protein change: p.Glu970Lys; replaces glutamic acid 970 with lysine.
Molecular consequence: missense variant. On other transcripts: non-coding transcript variant (1).
Genome position (GRCh38, 1-based): chr9:95,458,273, C>T on the plus strand (G>A on the coding strand, the complement: PTCH1 is on the minus strand). VCF-style: chr9-95458273-C-T. GRCh37 (hg19) VCF-style: chr9-98220555-C-T.
Other names: c.2710G>A, p.Glu904Lys (NM_001083602.3); c.2905G>A, p.Glu969Lys (NM_001083603.3); c.2455G>A, p.Glu819Lys (NM_001083604.3, NM_001083605.3, NM_001083606.3 and 1 more transcripts); c.2752G>A, p.Glu918Lys (NM_001354918.2); short protein forms E904K, E970K, E819K, E969K, E918K.
Identifiers: ClinVar variation 453835 (VCV000453835.15), dbSNP rs1201956507, ClinGen allele CA374112811.